The following is an entry in ClinVar:

NM_178500.4(PHOSPHO1):c.402C>T (p.Arg134=)

Gene: PHOSPHO1 (phosphoethanolamine/phosphocholine phosphatase 1; minus strand). Cytogenetic location: 17q21.32.
Variant type: single nucleotide variant.
Coding change: c.402C>T on transcript NM_178500.4 (MANE Select); coding-DNA position 402, C replaced by T.
Protein change: p.Arg134=; no amino-acid change (arginine 134 retained).
Molecular consequence: synonymous variant.
Genome position (GRCh38, 1-based): chr17:49,224,648, G>A on the plus strand (C>T on the coding strand, the complement: PHOSPHO1 is on the minus strand). VCF-style: chr17-49224648-G-A. GRCh37 (hg19) VCF-style: chr17-47302010-G-A.
Other names: c.477C>T, p.Arg159= (NM_001143804.2).
Identifiers: ClinVar variation 2647887 (VCV002647887.24), dbSNP rs377274359, ClinGen allele CA8637686.

ClinVar aggregate classification (germline): Likely benign (1 of 4 stars; one submission).

Allele frequency attached by ClinVar (database versions not stated): gnomAD exomes 0.00004; ESP Exome Variant Server 0.00008; ExAC 0.00013; gnomAD 0.00014; TOPMed 0.00019.
gnomAD v4.1: 85 of 1,583,708 alleles (0.0054%); highest among the groups gnomAD compares: Middle Eastern, 0.066%; no homozygotes.

Submission:

CeGaT Center for Human Genetics Tuebingen
Classification: Likely benign. Last evaluated: 2022-03-01. Review status: criteria provided, single submitter. Criteria: CeGaT Center For Human Genetics Tuebingen Variant Classification Criteria Version 2. Collection method: clinical testing. Allele origin: germline. Affected: yes. Observed: 1 variant allele.
Comment: PHOSPHO1: BP4, BP7